The following is an entry in ClinVar:

NM_001110556.2(FLNA):c.999_1008dup (p.Asp337delinsArgGlnTer)

Gene: FLNA (filamin A; minus strand). Cytogenetic location: Xq28.
Variant type: Duplication.
Coding change: c.999_1008dup on transcript NM_001110556.2 (MANE Select); coding-DNA positions 999 to 1008, 10 bases duplicated (CGCCAATAAC; older notation c.999_1008dupCGCCAATAAC).
Protein change: p.Asp337delinsArgGlnTer.
Molecular consequence: nonsense.
Genome position (GRCh38, 1-based): chrX:154,366,619-154,366,628, GTTATTGGCG duplicated on the plus strand (CGCCAATAAC on the coding strand, the reverse complement: FLNA is on the minus strand); duplicating any 10 consecutive bases within chrX:154,366,619-154,366,630 gives the same sequence; the c. name uses the placement nearest the transcript's 3' end. VCF-style (leftmost placement, unchanged base first): chrX-154366618-C-CGTTATTGGCG. GRCh37 (hg19) VCF-style: chrX-153594986-C-CGTTATTGGCG.
Other names: c.999_1008dup, p.Asp337delinsArgGlnTer (NM_001456.4); c.999_1008dupCGCCAATAAC (NM_001456.3).
Identifiers: ClinVar variation 465027 (VCV000465027.8), dbSNP rs1557179357, ClinGen allele CA658659068.

ClinVar aggregate classification (germline): Pathogenic (1 of 4 stars; one submission).

Conditions:
Heterotopia, periventricular, X-linked dominant (PVNH1). Also called: PERIVENTRICULAR NODULAR HETEROTOPIA 1; X-linked periventricular heterotopia; PERIVENTRICULAR NODULAR HETEROTOPIA 4; HETEROTOPIA, PERIVENTRICULAR, 1. Identifiers: Orphanet 2149, Orphanet 82004, MedGen C1848213, MONDO:0010233, OMIM 300049.
Oto-palato-digital syndrome, type II (OPD2). Also called: FACIOPALATOOSSEOUS SYNDROME; OPD II SYNDROME; Otopalatodigital Syndrome Type 2 (FLNA-OPD2); Otopalatodigital Syndrome, Type II. Identifiers: Orphanet 669, Orphanet 90652, MedGen C1844696, MONDO:0010571, OMIM 304120.
Frontometaphyseal dysplasia (FMD1). Identifiers: Orphanet 1826, MedGen C0265293, MONDO:0015942.
Melnick-Needles syndrome (MNS). Also called: MELNICK-NEEDLES OSTEODYSPLASTY; OSTEODYSPLASTY OF MELNICK AND NEEDLES; Melnick-Needles Syndrome (FLNA-MNS). Identifiers: Orphanet 2484, MedGen C0025237, MONDO:0010650, OMIM 309350.

Submission:

Labcorp Genetics (formerly Invitae), Labcorp
Classification: Pathogenic for Oto-palato-digital syndrome, type II; Heterotopia, periventricular, X-linked dominant; Frontometaphyseal dysplasia; Melnick-Needles syndrome. Last evaluated: 2017-06-28. Review status: criteria provided, single submitter. Criteria: Invitae Variant Classification Sherloc (09022015). Collection method: clinical testing. Allele origin: germline.
Comment: This sequence change creates a premature translational stop signal (p.Asp337Argfs*3) in the FLNA gene. It is expected to result in an absent or disrupted protein product. This variant is not present in population databases (ExAC no frequency). This variant has not been reported in the literature in individuals with FLNA-related disease. Loss-of-function variants in FLNA are known to be pathogenic (PMID: 16684786, 20730588, 26471271). For these reasons, this variant has been classified as Pathogenic.

Literature cited by the submitters: PubMed 16684786; PubMed 20730588; PubMed 26471271.